The following is an entry in ClinVar:

NM_001083926.2(ASRGL1):c.579G>A (p.Met193Ile)

Gene: ASRGL1 (asparaginase and isoaspartyl peptidase 1; plus strand). Cytogenetic location: 11q12.3.
Variant type: single nucleotide variant.
Coding change: c.579G>A on transcript NM_001083926.2 (MANE Select); coding-DNA position 579, G replaced by A.
Protein change: p.Met193Ile; replaces methionine 193 with isoleucine.
Molecular consequence: missense variant.
Genome position (GRCh38, 1-based): chr11:62,389,220, G>A. VCF-style: chr11-62389220-G-A. GRCh37 (hg19) VCF-style: chr11-62156692-G-A.
Other names: c.579G>A, p.Met193Ile (NM_025080.4); short protein forms M193I.
Identifiers: ClinVar variation 2006214 (VCV002006214.4), dbSNP rs762151435, ClinGen allele CA223037155.
Genomic context (GRCh38, chr11:62,389,220, plus strand): 5'-CTTGGACTGCAAAGGGAATGTAGCCTACGCAACCTCCACAGGCGGTATCGTTAATAAAAT[G>A]GTCGGCCGCGTTGGGGACTCACCGTGTCTAGGTAGGACCAAGGGATGCCTCCTGCCCCTT-3'
Protein context (NP_001077395.1, residues 183-203): ATSTGGIVNK[Met193Ile]VGRVGDSPCL

ClinVar aggregate classification (germline): Uncertain significance (1 of 4 stars; one submission).

Allele frequency attached by ClinVar (database versions not stated): TOPMed 0.00001; gnomAD 0.00002.

Submission:

Labcorp Genetics (formerly Invitae), Labcorp
Classification: Uncertain significance. Last evaluated: 2025-02-10. Review status: criteria provided, single submitter. Criteria: Invitae Variant Classification Sherloc (09022015). Collection method: clinical testing. Allele origin: germline.
Comment: This sequence change replaces methionine, which is neutral and non-polar, with isoleucine, which is neutral and non-polar, at codon 193 of the ASRGL1 protein (p.Met193Ile). This variant is present in population databases (rs762151435, gnomAD 0.002%). This variant has not been reported in the literature in individuals affected with ASRGL1-related conditions. ClinVar contains an entry for this variant (Variation ID: 2006214). An algorithm developed to predict the effect of missense changes on protein structure and function (PolyPhen-2) suggests that this variant is likely to be tolerated. In summary, the available evidence is currently insufficient to determine the role of this variant in disease. Therefore, it has been classified as a Variant of Uncertain Significance.